The following is an entry in ClinVar:

ClinVar aggregate classification (germline): Benign/Likely benign. Review status: criteria provided, multiple submitters, no conflicts (2 of 4 stars). 4 submissions from 4 submitters: Benign (1); Likely benign (2). 1 of the submissions does not count toward it. Last evaluated 2026-02-01.

Conditions:
RASGRP1-related disorder. Also called: RASGRP1-related condition.

Allele frequency attached by ClinVar (database versions not stated): ExAC 0.00034; ESP Exome Variant Server 0.00082; gnomAD 0.00094 and 0.00096; TOPMed 0.00110; 1000 Genomes Project 30x 0.00234; 1000 Genomes Project 0.00260.
gnomAD v4.1: 257 of 1,610,640 alleles (0.016%); highest among the groups gnomAD compares: African/African-American, 0.29%; no homozygotes.

Submissions (4):

Labcorp Genetics (formerly Invitae), Labcorp
Classification: Benign. Last evaluated: 2026-02-01. Review status: criteria provided, single submitter. Criteria: Invitae Variant Classification Sherloc (09022015). Collection method: clinical testing. Allele origin: germline.

Mayo Clinic Laboratories, Mayo Clinic
Classification: Likely benign. Last evaluated: 2025-10-02. Review status: criteria provided, single submitter. Criteria: ACMG Guidelines, 2015. Collection method: clinical testing. Allele origin: germline. Observed: 1 variant allele.
Comment: BS1, BP4, BP7

Blueprint Genetics
Classification: Likely benign. Last evaluated: 2024-11-27. Review status: criteria provided, single submitter. Criteria: ACMG Guidelines, 2015. Collection method: clinical testing. Allele origin: germline.

PreventionGenetics, part of Exact Sciences
Classification: Likely benign for RASGRP1-related condition. Last evaluated: 2019-12-09. Review status: no assertion criteria provided. Collection method: clinical testing. Allele origin: germline. Not counted in ClinVar's aggregate classification.
Comment: This variant is classified as likely benign based on ACMG/AMP sequence variant interpretation guidelines (Richards et al. 2015 PMID: 25741868, with internal and published modifications).

NM_005739.4(RASGRP1):c.495T>C (p.His165=)

Gene: RASGRP1 (RAS guanyl releasing protein 1; minus strand). Cytogenetic location: 15q14.
Variant type: single nucleotide variant.
Coding change: c.495T>C on transcript NM_005739.4 (MANE Select); coding-DNA position 495, T replaced by C.
Protein change: p.His165=; no amino-acid change (histidine 165 retained).
Molecular consequence: synonymous variant.
Genome position (GRCh38, 1-based): chr15:38,518,318, A>G on the plus strand (T>C on the coding strand, the complement: RASGRP1 is on the minus strand). VCF-style: chr15-38518318-A-G. GRCh37 (hg19) VCF-style: chr15-38810519-A-G.
Other names: p.His165=; c.495T>C (NM_005739.3); c.495T>C, p.His165= (NM_001128602.2, NM_001306086.2).
Identifiers: ClinVar variation 1654852 (VCV001654852.12), dbSNP rs148766586, ClinGen allele CA7471103.
Genomic context (GRCh38, chr15:38,518,318, plus strand): 5'-GTTTCGAAAGATGAGTCAAGACCTTGACACTCACATTTGAGTTGTGTCAATCAGGCGGCA[A>G]TGTAACTCCTCACCCTTAGCTTTCACCAGTTCCTGAAACTCCTCCATAGTGTCTGTCAAG-3'
Protein context (NP_005730.2, residues 155-175): ELVKAKGEEL[His165=]CRLIDTTQIN